The following is an entry in ClinVar:

ClinVar aggregate classification (germline): Pathogenic/Likely pathogenic. Review status: criteria provided, multiple submitters, no conflicts (2 of 4 stars). 2 submissions from 2 submitters: Pathogenic (1); Likely pathogenic (1). Last evaluated 2025-10-22.

Conditions:
Autosomal recessive limb-girdle muscular dystrophy type 2B (LGMDR2). Also called: MUSCULAR DYSTROPHY, LIMB-GIRDLE, TYPE 3; Limb-girdle muscular dystrophy, type 2B; MUSCULAR DYSTROPHY, LIMB-GIRDLE, AUTOSOMAL RECESSIVE 2; Limb-Girdle Muscular Dystrophy Type 2B (LGMD2B). Identifiers: Orphanet 268, MedGen C1850889, MONDO:0009676, OMIM 253601.
Autosomal recessive limb-girdle muscular dystrophy. Identifiers: Orphanet 102015, MedGen C2931907, MONDO:0015152.

Submissions (2):

Natera, Inc.
Classification: Pathogenic for Limb-girdle muscular dystrophy type 2B. Last evaluated: 2025-10-22. Review status: criteria provided, single submitter. Criteria: Natera Variant Classification Schema (03/2026). Collection method: clinical testing. Allele origin: germline.
Comment: The c.3597G>A variant in DYSF is a nonsense variant predicted to introduce a stop codon at amino acid 1199. This variant is expected to result in nonsense mediated decay, truncation, or a dysfunctional protein product. This variant is rare in the general population with a frequency below the threshold expected for the associated phenotype(s). This variant has been observed in one or more individuals affected with the associated recessive disease, as either homozygous or compound heterozygous with a second variant (PMID: 31822577). Given the available evidence, this variant is classified as Pathogenic.

Myriad Genetics, Inc.
Classification: Likely pathogenic for Autosomal recessive limb-girdle muscular dystrophy. Last evaluated: 2020-02-20. Review status: criteria provided, single submitter. Criteria: Myriad Autosomal Dominant, Autosomal Recessive and X-Linked Classification Criteria (2023). Collection method: clinical testing. Allele origin: unknown.
Comment: NM_003494.3(DYSF):c.3597G>A(W1199*) is expected to be pathogenic in the context of dysferlinopathy. This variant is predicted to lead to an abnormal or absent protein product due to the creation of a premature termination codon in DYSF, a gene where loss-of-function variants are known to be pathogenic. Please note: this variant was assessed in the context of healthy population screening.

Literature cited by the submitters: PubMed 31822577 (cited by Natera, Inc.).

NM_001130987.2(DYSF):c.3651G>A (p.Trp1217Ter)

Gene: DYSF (dysferlin; plus strand). Cytogenetic location: 2p13.2.
Variant type: single nucleotide variant.
Coding change: c.3651G>A on transcript NM_001130987.2 (MANE Select); coding-DNA position 3651, G replaced by A.
Protein change: p.Trp1217Ter; replaces tryptophan 1217 with a stop codon.
Molecular consequence: nonsense.
Genome position (GRCh38, 1-based): chr2:71,598,640, G>A. VCF-style: chr2-71598640-G-A. GRCh37 (hg19) VCF-style: chr2-71825770-G-A.
Other names: c.3597G>A (NM_003494.3); c.3600G>A, p.Trp1200Ter (NM_001130455.2, NM_001130983.2); c.3555G>A, p.Trp1185Ter (NM_001130976.2, NM_001130977.2); c.3597G>A, p.Trp1199Ter (NM_001130978.2, NM_003494.4); c.3690G>A, p.Trp1230Ter (NM_001130979.2); c.3648G>A, p.Trp1216Ter (NM_001130980.2, NM_001130981.2); c.3693G>A, p.Trp1231Ter (NM_001130982.2); c.3558G>A, p.Trp1186Ter (NM_001130984.2, NM_001130986.2); and 1 more; short protein forms W1185*, W1186*, W1199*, W1200*, W1216*, W1217*, W1230*, W1231*.
Identifiers: ClinVar variation 983963 (VCV000983963.5), dbSNP rs2093464314, ClinGen allele CA347223846.
Genomic context (GRCh38, chr2:71,598,640, plus strand): 5'-CTCCTTCCTGCACCAGAGCCAGAAGACGGTGGTGGTGAAGAACACCCTTAACCCCACCTG[G>A]GACCAGACGCTCATCTTCTACGAGATCGAGATCTTTGGCGAGCCGGCCACAGTTGCTGAG-3'